The following is an entry in ClinVar:

ClinVar aggregate classification (germline): Likely benign. Review status: criteria provided, multiple submitters, no conflicts (2 of 4 stars). 2 submissions from 2 submitters: Likely benign (2). Last evaluated 2025-10-27.

Conditions:
Hereditary sensory and autonomic neuropathy type 6. Also called: HSAN VI; Neuropathy, hereditary sensory and autonomic, type VI. Identifiers: Orphanet 314381, MedGen C3539003, MONDO:0013839, OMIM 614653.
Epidermolysis bullosa simplex 3, localized or generalized intermediate, with BP230 deficiency (EBS3). Also called: Epidermolysis bullosa simplex due to BP230 deficiency; Epidermolysis bullosa simplex, autosomal recessive 2. Identifiers: Orphanet 412181, MedGen C3809470, MONDO:0014180, OMIM 615425.
DST-related disorder. Also called: DST-related condition; DST-related disorders.

Allele frequency attached by ClinVar (database versions not stated): gnomAD 0.00003; gnomAD exomes 0.00012; 1000 Genomes Project 30x 0.00016; 1000 Genomes Project 0.00020; ExAC 0.00027.
gnomAD v4.1: 182 of 1,614,130 alleles (0.011%); highest among the groups gnomAD compares: South Asian, 0.19%; 1 homozygote.

Submissions (2):

PreventionGenetics, part of Exact Sciences
Classification: Likely benign for DST-related condition. Last evaluated: 2025-10-27. Review status: criteria provided, single submitter. Criteria: ACMG Guidelines, 2015. Collection method: clinical testing. Allele origin: germline.
Comment: This variant is classified as likely benign based on ACMG/AMP sequence variant interpretation guidelines (Richards et al. 2015 PMID: 25741868, with internal and published modifications).

Labcorp Genetics (formerly Invitae), Labcorp
Classification: Likely benign for Epidermolysis bullosa simplex 3, localized or generalized intermediate, with BP230 deficiency; Hereditary sensory and autonomic neuropathy type 6. Last evaluated: 2023-10-11. Review status: criteria provided, single submitter. Criteria: Invitae Variant Classification Sherloc (09022015). Collection method: clinical testing. Allele origin: germline.

NM_001374736.1(DST):c.3413C>G (p.Pro1138Arg)

Gene: DST (dystonin; minus strand). Cytogenetic location: 6p12.1.
Variant type: single nucleotide variant.
Coding change: c.3413C>G on transcript NM_001374736.1 (MANE Select); coding-DNA position 3413, C replaced by G.
Protein change: p.Pro1138Arg; replaces proline 1138 with arginine.
Molecular consequence: missense variant.
Genome position (GRCh38, 1-based): chr6:56,634,543, G>C on the plus strand (C>G on the coding strand, the complement: DST is on the minus strand). VCF-style: chr6-56634543-G-C. GRCh37 (hg19) VCF-style: chr6-56499341-G-C.
Other names: c.3314C>G, p.Pro1105Arg (NM_001144769.5); c.2900C>G, p.Pro967Arg (NM_001144770.2); c.3413C>G, p.Pro1138Arg (NM_001374722.1); c.2780C>G, p.Pro927Arg (NM_001374729.1, NM_001374730.1, NM_001386100.1 and 1 more transcripts); c.3440C>G, p.Pro1147Arg (NM_001374734.1); c.1802C>G, p.Pro601Arg (NM_001723.7, NM_015548.5); c.1802C>G (NM_001723.5); short protein forms P1105R, P1147R, P1138R, P601R, P927R, P967R.
Identifiers: ClinVar variation 2068934 (VCV002068934.5), dbSNP rs571879524, ClinGen allele CA3871162.